The following is an entry in ClinVar:

ClinVar aggregate classification (germline): Likely pathogenic. Review status: criteria provided, single submitter (1 of 4 stars). 2 submissions from 2 submitters: Likely pathogenic (1). 1 of the submissions does not count toward it. Last evaluated 2023-05-30.

Conditions:
Combined oxidative phosphorylation defect type 24. Also called: Combined oxidative phosphorylation deficiency 24. Identifiers: Orphanet 444458, MedGen C4015643, MONDO:0014547, OMIM 616239.

Allele frequency attached by ClinVar (database versions not stated): gnomAD exomes 0.00001; TOPMed 0.00001; gnomAD 0.00001; ExAC 0.00001.
gnomAD v4.1: 22 of 1,612,896 alleles (0.0014%); highest among the groups gnomAD compares: Non-Finnish European, 0.0018%; no homozygotes.

Submissions (2):

GeneDx
Classification: Likely pathogenic. Last evaluated: 2023-05-30. Review status: criteria provided, single submitter. Criteria: GeneDx Variant Classification Process June 2021. Collection method: clinical testing. Allele origin: germline. Affected: yes.
Comment: Not observed at significant frequency in large population cohorts (gnomAD); In silico analysis supports that this missense variant has a deleterious effect on protein structure/function; This variant is associated with the following publications: (PMID: 30327238, 33596490)

OMIM
Classification: Pathogenic for COMBINED OXIDATIVE PHOSPHORYLATION DEFICIENCY 24. Last evaluated: 2019-05-24. Review status: no assertion criteria provided. Collection method: literature only. Allele origin: germline. Not counted in ClinVar's aggregate classification.

Literature cited by the submitters: PubMed 30327238 (cited by OMIM).

NM_024678.6(NARS2):c.631T>A (p.Phe211Ile)

Gene: NARS2 (asparaginyl-tRNA synthetase 2, mitochondrial; minus strand). Cytogenetic location: 11q14.1.
Variant type: single nucleotide variant.
Coding change: c.631T>A on transcript NM_024678.6 (MANE Select); coding-DNA position 631, T replaced by A.
Protein change: p.Phe211Ile; replaces phenylalanine 211 with isoleucine.
Molecular consequence: missense variant. On other transcripts: 5 prime UTR variant (1).
Genome position (GRCh38, 1-based): chr11:78,528,900, A>T on the plus strand (T>A on the coding strand, the complement: NARS2 is on the minus strand). VCF-style: chr11-78528900-A-T. GRCh37 (hg19) VCF-style: chr11-78239946-A-T.
Other names: c.-51T>A (NM_001243251.2); short protein forms F211I.
Identifiers: ClinVar variation 424270 (VCV000424270.3), dbSNP rs755122704, ClinGen allele CA6205769.